The following is an entry in ClinVar:

NM_015330.6(SPECC1L):c.1329T>G (p.Val443=)

Genes: SPECC1L (sperm antigen with calponin homology and coiled-coil domains 1 like; plus strand), SPECC1L-ADORA2A (SPECC1L-ADORA2A readthrough (NMD candidate); plus strand). Cytogenetic location: 22q11.23.
Variant type: single nucleotide variant.
Coding change: c.1329T>G on transcript NM_015330.6 (MANE Select); coding-DNA position 1329, T replaced by G.
Protein change: p.Val443=; no amino-acid change (valine 443 retained).
Molecular consequence: synonymous variant. On other transcripts: non-coding transcript variant (1).
Genome position (GRCh38, 1-based): chr22:24,322,309, T>G. VCF-style: chr22-24322309-T-G. GRCh37 (hg19) VCF-style: chr22-24718277-T-G.
Other names: c.1329T>G, p.Val443= (NM_001145468.4, NM_001254732.3).
Identifiers: ClinVar variation 771940 (VCV000771940.44), dbSNP rs55945050, ClinGen allele CA10152097.

ClinVar aggregate classification (germline): Benign. Review status: criteria provided, multiple submitters, no conflicts (2 of 4 stars). 5 submissions from 5 submitters: Benign (4). 1 of the submissions does not count toward it. Last evaluated 2026-06-01.

Conditions:
SPECC1L-related disorder. Also called: SPECC1L-related condition.

Allele frequency attached by ClinVar (database versions not stated): 1000 Genomes Project 30x 0.00468; 1000 Genomes Project 0.00539; TOPMed 0.00550; gnomAD 0.00721 and 0.00748; ESP Exome Variant Server 0.00723; gnomAD exomes 0.00905 and 0.01017; ExAC 0.00996.
gnomAD v4.1: 15,894 of 1,614,198 alleles (0.98%); highest among the groups gnomAD compares: South Asian, 1.3%; 119 homozygotes.

Submissions (5):

CeGaT Center for Human Genetics Tuebingen
Classification: Benign. Last evaluated: 2026-06-01. Review status: criteria provided, single submitter. Criteria: CeGaT Center For Human Genetics Tuebingen Variant Classification Criteria Version 2. Collection method: clinical testing. Allele origin: germline. Affected: yes. Observed: 23 variant alleles.
Comment: SPECC1L: BP4, BP7, BS1, BS2

Labcorp Genetics (formerly Invitae), Labcorp
Classification: Benign. Last evaluated: 2026-02-01. Review status: criteria provided, single submitter. Criteria: Invitae Variant Classification Sherloc (09022015). Collection method: clinical testing. Allele origin: germline.

Genetic Services Laboratory, University of Chicago
Classification: Benign. Last evaluated: 2021-05-23. Review status: criteria provided, single submitter. Criteria: ACMG Guidelines, 2015. Collection method: clinical testing. Allele origin: germline. Affected: no.

Breakthrough Genomics
Classification: Benign. Review status: criteria provided, single submitter. Criteria: ACMG Guidelines, 2015. Collection method: not provided. Allele origin: germline. Inheritance: Autosomal dominant inheritance. Affected: yes.

PreventionGenetics, part of Exact Sciences
Classification: Benign for SPECC1L-related condition. Last evaluated: 2019-09-12. Review status: no assertion criteria provided. Collection method: clinical testing. Allele origin: germline. Not counted in ClinVar's aggregate classification.
Comment: This variant is classified as benign based on ACMG/AMP sequence variant interpretation guidelines (Richards et al. 2015 PMID: 25741868, with internal and published modifications).